The following is an entry in ClinVar:

NM_004859.4(CLTC):c.1510T>C (p.Tyr504His)

Gene: CLTC (clathrin heavy chain; plus strand). Cytogenetic location: 17q23.1.
Variant type: single nucleotide variant.
Coding change: c.1510T>C on transcript NM_004859.4 (MANE Select); coding-DNA position 1510, T replaced by C.
Protein change: p.Tyr504His; replaces tyrosine 504 with histidine.
Molecular consequence: missense variant.
Genome position (GRCh38, 1-based): chr17:59,663,983, T>C. VCF-style: chr17-59663983-T-C. GRCh37 (hg19) VCF-style: chr17-57741344-T-C.
Other names: c.1522T>C, p.Tyr508His (NM_001288653.2); short protein forms Y504H, Y508H.
Identifiers: ClinVar variation 3731007 (VCV003731007.1).

ClinVar aggregate classification (germline): Uncertain significance (1 of 4 stars; one submission).

Submission:

GeneDx
Classification: Uncertain significance. Last evaluated: 2024-08-07. Review status: criteria provided, single submitter. Criteria: GeneDx Variant Classification Process June 2021. Collection method: clinical testing. Allele origin: germline. Affected: yes.
Comment: Not observed at significant frequency in large population cohorts (gnomAD); In silico analysis supports that this missense variant has a deleterious effect on protein structure/function; Has not been previously published as pathogenic or benign to our knowledge